The following is an entry in ClinVar:

NM_001110556.2(FLNA):c.244G>C (p.Glu82Gln)

Gene: FLNA (filamin A; minus strand). Cytogenetic location: Xq28.
Variant type: single nucleotide variant.
Coding change: c.244G>C on transcript NM_001110556.2 (MANE Select); coding-DNA position 244, G replaced by C.
Protein change: p.Glu82Gln; replaces glutamic acid 82 with glutamine.
Molecular consequence: missense variant.
Genome position (GRCh38, 1-based): chrX:154,371,002, C>G on the plus strand (G>C on the coding strand, the complement: FLNA is on the minus strand). VCF-style: chrX-154371002-C-G. GRCh37 (hg19) VCF-style: chrX-153599370-C-G.
Other names: c.244G>C, p.Glu82Gln (NM_001456.4); short protein forms E82Q.
Identifiers: ClinVar variation 4539903 (VCV004539903.1).

ClinVar aggregate classification (germline): Uncertain significance (1 of 4 stars; one submission).

Submission:

GeneDx
Classification: Uncertain significance. Last evaluated: 2025-06-27. Review status: criteria provided, single submitter. Criteria: GeneDx Variant Classification Process June 2021. Collection method: clinical testing. Allele origin: germline. Affected: yes.
Comment: Not observed at significant frequency in large population cohorts (gnomAD); In silico analysis suggests that this missense variant does not alter protein structure/function; Has not been previously published as pathogenic or benign to our knowledge